The following is an entry in ClinVar:

ClinVar aggregate classification (germline): Uncertain significance (1 of 4 stars; one submission).

Conditions:
Deficiency of adenosine deaminase 2. Also called: Polyarteritis nodosa, childhoood-onset; Adenosine Deaminase 2 Deficiency; VASCULITIS, AUTOINFLAMMATION, IMMUNODEFICIENCY, AND HEMATOLOGIC DEFECTS SYNDROME. Identifiers: Orphanet 404553, MedGen C3887654, MONDO:0014306, OMIM 615688, MONDO:0100317.

Submission:

Labcorp Genetics (formerly Invitae), Labcorp
Classification: Uncertain significance for Deficiency of adenosine deaminase 2. Last evaluated: 2021-04-23. Review status: criteria provided, single submitter. Criteria: Invitae Variant Classification Sherloc (09022015). Collection method: clinical testing. Allele origin: germline.
Comment: In summary, the available evidence is currently insufficient to determine the role of this variant in disease. Therefore, it has been classified as a Variant of Uncertain Significance. Algorithms developed to predict the effect of missense changes on protein structure and function are either unavailable or do not agree on the potential impact of this missense change (SIFT: "Tolerated"; PolyPhen-2: "Possibly Damaging"; Align-GVGD: "Class C0"). This variant has not been reported in the literature in individuals with ADA2-related conditions. This variant is not present in population databases (ExAC no frequency). This sequence change replaces aspartic acid with histidine at codon 31 of the ADA2 protein (p.Asp31His). The aspartic acid residue is moderately conserved and there is a moderate physicochemical difference between aspartic acid and histidine.

NM_001282225.2(ADA2):c.91G>C (p.Asp31His)

Gene: ADA2 (adenosine deaminase 2; minus strand). Cytogenetic location: 22q11.1.
Variant type: single nucleotide variant.
Coding change: c.91G>C on transcript NM_001282225.2 (MANE Select); coding-DNA position 91, G replaced by C.
Protein change: p.Asp31His; replaces aspartic acid 31 with histidine.
Molecular consequence: missense variant. On other transcripts: 5 prime UTR variant (2), intron variant (1).
Genome position (GRCh38, 1-based): chr22:17,209,587, C>G on the plus strand (G>C on the coding strand, the complement: ADA2 is on the minus strand). VCF-style: chr22-17209587-C-G. GRCh37 (hg19) VCF-style: chr22-17690477-C-G.
Other names: c.91G>C, p.Asp31His (NM_001282226.2); c.-36G>C (NM_001282227.2, NM_001282228.2); c.-38-2297G>C (NM_001282229.2); short protein forms D31H.
Identifiers: ClinVar variation 1517279 (VCV001517279.6), dbSNP rs2123716097, ClinGen allele CA410230951.